The following is an entry in ClinVar:

NM_015512.5(DNAH1):c.6827G>A (p.Arg2276Lys)

Gene: DNAH1 (dynein axonemal heavy chain 1; plus strand). Cytogenetic location: 3p21.1.
Variant type: single nucleotide variant.
Coding change: c.6827G>A on transcript NM_015512.5 (MANE Select); coding-DNA position 6827, G replaced by A.
Protein change: p.Arg2276Lys; replaces arginine 2276 with lysine.
Molecular consequence: missense variant.
Genome position (GRCh38, 1-based): chr3:52,372,387, G>A. VCF-style: chr3-52372387-G-A. GRCh37 (hg19) VCF-style: chr3-52406403-G-A.
Other names: short protein forms R2276K.
Identifiers: ClinVar variation 2193685 (VCV002193685.3), dbSNP rs201613111, ClinGen allele CA74762931.

ClinVar aggregate classification (germline): Uncertain significance (1 of 4 stars; one submission).

Conditions:
Spermatogenic failure 18. Identifiers: MedGen C4539783, MONDO:0054615, OMIM 617576.
Ciliary dyskinesia, primary, 37 (CILD37). Also called: CILIARY DYSKINESIA, PRIMARY, 37, WITH OR WITHOUT SITUS INVERSUS. Identifiers: MedGen C4539798, MONDO:0033204, OMIM 617577.

Allele frequency attached by ClinVar (database versions not stated): TOPMed below 0.00001; gnomAD 0.00001; gnomAD exomes 0.00002.
gnomAD v4.1: 26 of 1,613,328 alleles (0.0016%); highest among the groups gnomAD compares: Non-Finnish European, 0.0019%; no homozygotes.

Submission:

Labcorp Genetics (formerly Invitae), Labcorp
Classification: Uncertain significance for Ciliary dyskinesia, primary, 37; Spermatogenic failure 18. Last evaluated: 2022-07-30. Review status: criteria provided, single submitter. Criteria: Invitae Variant Classification Sherloc (09022015). Collection method: clinical testing. Allele origin: germline.
Comment: In summary, the available evidence is currently insufficient to determine the role of this variant in disease. Therefore, it has been classified as a Variant of Uncertain Significance. Variants that disrupt the consensus splice site are a relatively common cause of aberrant splicing (PMID: 17576681, 9536098). Algorithms developed to predict the effect of sequence changes on RNA splicing suggest that this variant may disrupt the consensus splice site. Algorithms developed to predict the effect of missense changes on protein structure and function are either unavailable or do not agree on the potential impact of this missense change (SIFT: "Deleterious"; PolyPhen-2: "Probably Damaging"; Align-GVGD: "Class C0"). This variant has not been reported in the literature in individuals affected with DNAH1-related conditions. This variant is present in population databases (rs201613111, gnomAD 0.0009%). This sequence change replaces arginine, which is basic and polar, with lysine, which is basic and polar, at codon 2276 of the DNAH1 protein (p.Arg2276Lys). This variant also falls at the last nucleotide of exon 43, which is part of the consensus splice site for this exon.

Literature cited by the submitters: PubMed 17576681; PubMed 9536098.